The following is an entry in ClinVar:

NM_016123.4(IRAK4):c.*1325G>A

Gene: IRAK4 (interleukin 1 receptor associated kinase 4; plus strand). Cytogenetic location: 12q12.
Variant type: single nucleotide variant.
Coding change: c.*1325G>A on transcript NM_016123.4 (MANE Select); 1325 bases downstream of the stop codon, G replaced by A.
Molecular consequence: 3 prime UTR variant.
Genome position (GRCh38, 1-based): chr12:43,788,040, G>A. VCF-style: chr12-43788040-G-A. GRCh37 (hg19) VCF-style: chr12-44181843-G-A.
Other names: c.*1325G>A (NM_001114182.3, NM_001145256.2, NM_001145257.2 and 9 more transcripts).
Identifiers: ClinVar variation 308749 (VCV000308749.6), dbSNP rs139778399, ClinGen allele CA10637482.

ClinVar aggregate classification (germline): Benign. Review status: criteria provided, multiple submitters, no conflicts (2 of 4 stars). 2 submissions from 2 submitters: Benign (2). Last evaluated 2018-01-13.

Conditions:
Immunodeficiency 67. Also called: Immunodeficiency due to interleukin-1 receptor-associated kinase-4 deficiency. Identifiers: Orphanet 70592, MedGen C1843256, MONDO:0011888, OMIM 607676.

Allele frequency attached by ClinVar (database versions not stated): gnomAD 0.00029 and 0.00048; TOPMed 0.00056; 1000 Genomes Project 30x 0.00265; 1000 Genomes Project 0.00339.

Submissions (2):

Illumina Laboratory Services, Illumina
Classification: Benign for Immunodeficiency 67. Last evaluated: 2018-01-13. Review status: criteria provided, single submitter. Criteria: ICSL Variant Classification Criteria 13 December 2019. Collection method: clinical testing. Allele origin: germline.
Comment: This variant was observed in the ICSL laboratory as part of a predisposition screen in an ostensibly healthy population. It had not been previously curated by ICSL or reported in the Human Gene Mutation Database (HGMD: prior to June 1st, 2018), and was therefore a candidate for classification through an automated scoring system. Utilizing variant allele frequency, disease prevalence and penetrance estimates, and inheritance mode, an automated score was calculated to assess if this variant is too frequent to cause the disease. Based on the score and internal cut-off values, a variant classified as benign is not then subjected to further curation. The score for this variant resulted in a classification of benign for this disease.

Breakthrough Genomics
Classification: Benign. Review status: criteria provided, single submitter. Criteria: ACMG Guidelines, 2015. Collection method: not provided. Allele origin: germline. Inheritance: Autosomal recessive inheritance. Affected: yes.